The following is an entry in ClinVar:

ClinVar aggregate classification (germline): Uncertain significance (1 of 4 stars; one submission).

Conditions:
Cardiovascular phenotype. Identifiers: MedGen CN230736.

Allele frequency attached by ClinVar (database versions not stated): gnomAD exomes 0.00001; ExAC 0.00002.
gnomAD v4.1: 3 of 1,614,158 alleles (0.00019%); highest among the groups gnomAD compares: Admixed American, 0.005%; no homozygotes.

Submission:

Ambry Genetics
Classification: Uncertain significance for Cardiovascular phenotype. Last evaluated: 2022-07-14. Review status: criteria provided, single submitter. Criteria: Ambry Variant Classification Scheme 2023. Collection method: clinical testing. Allele origin: germline.
Comment: The p.L1009V variant (also known as c.3025C>G), located in coding exon 21 of the MYH6 gene, results from a C to G substitution at nucleotide position 3025. The leucine at codon 1009 is replaced by valine, an amino acid with highly similar properties. This amino acid position is conserved. In addition, the in silico prediction for this alteration is inconclusive. Since supporting evidence is limited at this time, the clinical significance of this alteration remains unclear.

NM_002471.4(MYH6):c.3025C>G (p.Leu1009Val)

Gene: MYH6 (myosin heavy chain 6; minus strand). Cytogenetic location: 14q11.2.
Variant type: single nucleotide variant.
Coding change: c.3025C>G on transcript NM_002471.4 (MANE Select); coding-DNA position 3025, C replaced by G.
Protein change: p.Leu1009Val; replaces leucine 1009 with valine.
Molecular consequence: missense variant.
Genome position (GRCh38, 1-based): chr14:23,393,422, G>C on the plus strand (C>G on the coding strand, the complement: MYH6 is on the minus strand). VCF-style: chr14-23393422-G-C. GRCh37 (hg19) VCF-style: chr14-23862631-G-C.
Other names: short protein forms L1009V.
Identifiers: ClinVar variation 1798957 (VCV001798957.2), dbSNP rs762487059, ClinGen allele CA7115324.